The following is an entry in ClinVar:

NM_138713.4(NFAT5):c.3260C>T (p.Ala1087Val)

Gene: NFAT5 (nuclear factor of activated T cells 5; plus strand). Cytogenetic location: 16q22.1.
Variant type: single nucleotide variant.
Coding change: c.3260C>T on transcript NM_138713.4 (MANE Select); coding-DNA position 3260, C replaced by T.
Protein change: p.Ala1087Val; replaces alanine 1087 with valine.
Molecular consequence: missense variant.
Genome position (GRCh38, 1-based): chr16:69,693,085, C>T. VCF-style: chr16-69693085-C-T. GRCh37 (hg19) VCF-style: chr16-69726988-C-T.
Other names: c.3257C>T, p.Ala1086Val (NM_001113178.3); c.2585C>T, p.Ala862Val (NM_001367709.1); c.3206C>T, p.Ala1069Val (NM_006599.4); c.2978C>T, p.Ala993Val (NM_138714.4, NM_173214.3, NM_173215.3); short protein forms A993V, A1087V, A862V, A1069V, A1086V.
Identifiers: ClinVar variation 4780760 (VCV004780760.1).

ClinVar aggregate classification (germline): Uncertain significance (1 of 4 stars; one submission).

Conditions:
Immunodeficiency. Identifiers: MedGen C0021051, MONDO:0021094, HP:0002721.

Submission:

Labcorp Genetics (formerly Invitae), Labcorp
Classification: Uncertain significance for Immunodeficiency. Last evaluated: 2025-05-19. Review status: criteria provided, single submitter. Criteria: Invitae Variant Classification Sherloc (09022015). Collection method: clinical testing. Allele origin: germline.
Comment: This sequence change replaces alanine, which is neutral and non-polar, with valine, which is neutral and non-polar, at codon 993 of the NFAT5 protein (p.Ala993Val). This variant is present in population databases (rs747403447, gnomAD 0.002%). This variant has not been reported in the literature in individuals affected with NFAT5-related conditions. An algorithm developed to predict the effect of missense changes on protein structure and function (PolyPhen-2) suggests that this variant is likely to be disruptive. In summary, the available evidence is currently insufficient to determine the role of this variant in disease. Therefore, it has been classified as a Variant of Uncertain Significance.